The following is an entry in ClinVar:

NM_001326342.2(CELF2):c.1537C>T (p.Arg513Cys)

Genes: CELF2 (CUGBP Elav-like family member 2; plus strand), CELF2-AS1 (CELF2 antisense RNA 1; minus strand). Cytogenetic location: 10p14.
Variant type: single nucleotide variant.
Coding change: c.1537C>T on transcript NM_001326342.2 (MANE Select); coding-DNA position 1537, C replaced by T.
Protein change: p.Arg513Cys; replaces arginine 513 with cysteine.
Molecular consequence: missense variant.
Genome position (GRCh38, 1-based): chr10:11,329,024, C>T. VCF-style: chr10-11329024-C-T. GRCh37 (hg19) VCF-style: chr10-11370987-C-T.
Other names: c.1444C>T, p.Arg482Cys (NM_001025076.2, NM_001326318.2, NM_001326320.2 and 6 more transcripts); c.1498C>T, p.Arg500Cys (NM_001025077.3, NM_001326319.2, NM_001326332.2); c.1438C>T, p.Arg480Cys (NM_001083591.1); c.1426C>T, p.Arg476Cys (NM_001326317.2, NM_001326329.2, NM_001326344.2 and 2 more transcripts); c.1468C>T, p.Arg490Cys (NM_001326321.2); c.1486C>T, p.Arg496Cys (NM_001326323.2); c.1591C>T, p.Arg531Cys (NM_001326325.2, NM_001326343.2); c.1534C>T, p.Arg512Cys (NM_001326326.2); and 14 more; short protein forms R272C, R278C, R389C, R395C, R444C, R476C, R480C, R482C.
Identifiers: ClinVar variation 4891241 (VCV004891241.1).

ClinVar aggregate classification (germline): Likely pathogenic (1 of 4 stars; one submission).

Conditions:
Developmental and epileptic encephalopathy 97 (DEE97). Identifiers: MedGen C5561999, MONDO:0030453, OMIM 619561.

Submission:

Clinical Genetics Laboratory, University Hospital Schleswig-Holstein
Classification: Likely pathogenic for Developmental and epileptic encephalopathy 97. Last evaluated: 2025-10-06. Review status: criteria provided, single submitter. Criteria: ACMG Guidelines, 2015. Collection method: clinical testing. Allele origin: de novo. Affected: yes. Observed: 1 heterozygote.
Comment: ACMG criteria applied: PM2, PP3, PM1, PS2_Moderate